The following is an entry in ClinVar:

ClinVar aggregate classification (germline): Benign/Likely benign. Review status: criteria provided, multiple submitters, no conflicts (2 of 4 stars). 3 submissions from 3 submitters: Benign (2); Likely benign (1). Last evaluated 2026-02-02.

Conditions:
Multiple endocrine neoplasia type 4. Also called: MULTIPLE ENDOCRINE NEOPLASIA, TYPE IV. Identifiers: Orphanet 276152, MedGen C1970712, MONDO:0012552, OMIM 610755.

Allele frequency attached by ClinVar (database versions not stated): gnomAD 0.38696 and 0.38285; gnomAD exomes 0.43736; 1000 Genomes Project 30x 0.37039; TOPMed 0.37313; 1000 Genomes Project 0.37640.
gnomAD v4.1: 427,675 of 996,668 alleles (43%); highest among the groups gnomAD compares: Non-Finnish European, 44%; 93,107 homozygotes.

Submissions (3):

Labcorp Genetics (formerly Invitae), Labcorp
Classification: Benign for Multiple endocrine neoplasia type 4. Last evaluated: 2026-02-02. Review status: criteria provided, single submitter. Criteria: Invitae Variant Classification Sherloc (09022015). Collection method: clinical testing. Allele origin: germline.

GeneDx
Classification: Benign. Last evaluated: 2019-01-10. Review status: criteria provided, single submitter. Criteria: GeneDx Variant Classification Process June 2021. Collection method: clinical testing. Allele origin: germline. Affected: yes.
Comment: This variant is associated with the following publications: (PMID: 15061869, 19667240)

Blueprint Genetics
Classification: Likely benign. Last evaluated: 2018-06-15. Review status: criteria provided, single submitter. Criteria: ACMG Guidelines, 2015. Collection method: clinical testing. Allele origin: germline.

NC_000012.12:g.12717002C>A

Genes: GPR19 (G protein-coupled receptor 19; minus strand), CDKN1B (cyclin dependent kinase inhibitor 1B; plus strand), LOC130007456 (ATAC-STARR-seq lymphoblastoid silent region 4261; plus strand). Cytogenetic location: 12p13.1.
Variant type: single nucleotide variant.
Genome position: GRCh38 VCF-style: chr12-12717002-C-A. GRCh37 (hg19) VCF-style: chr12-12869936-C-A.
Identifiers: ClinVar variation 695291 (VCV000695291.11), dbSNP rs36228499, ClinGen allele CA13580270.